The following is an entry in ClinVar:

NM_005101.4(ISG15):c.256G>A (p.Val86Met)

Gene: ISG15 (ISG15 ubiquitin like modifier; plus strand). Cytogenetic location: 1p36.33.
Variant type: single nucleotide variant.
Coding change: c.256G>A on transcript NM_005101.4 (MANE Select); coding-DNA position 256, G replaced by A.
Protein change: p.Val86Met; replaces valine 86 with methionine.
Molecular consequence: missense variant.
Genome position (GRCh38, 1-based): chr1:1,014,236, G>A. VCF-style: chr1-1014236-G-A. GRCh37 (hg19) VCF-style: chr1-949616-G-A.
Other names: short protein forms V86M.
Identifiers: ClinVar variation 1396122 (VCV001396122.8), dbSNP rs1644250077, ClinGen allele CA337804632.

ClinVar aggregate classification (germline): Uncertain significance (1 of 4 stars; one submission).

Conditions:
Mendelian susceptibility to mycobacterial diseases due to complete ISG15 deficiency. Also called: IMMUNODEFICIENCY 38, MYCOBACTERIOSIS, AUTOSOMAL RECESSIVE; ISG15 DEFICIENCY, AUTOSOMAL RECESSIVE; Immunodeficiency 38; Immunodeficiency 38 with basal ganglia calcification. Identifiers: Orphanet 319563, MedGen C4015293, MONDO:0014502, OMIM 616126.

Allele frequency attached by ClinVar (database versions not stated): TOPMed 0.00001.

Submission:

Labcorp Genetics (formerly Invitae), Labcorp
Classification: Uncertain significance for Mendelian susceptibility to mycobacterial diseases due to complete ISG15 deficiency. Last evaluated: 2022-02-17. Review status: criteria provided, single submitter. Criteria: Invitae Variant Classification Sherloc (09022015). Collection method: clinical testing. Allele origin: germline.
Comment: This variant is not present in population databases (gnomAD no frequency). In summary, the available evidence is currently insufficient to determine the role of this variant in disease. Therefore, it has been classified as a Variant of Uncertain Significance. Algorithms developed to predict the effect of missense changes on protein structure and function are either unavailable or do not agree on the potential impact of this missense change (SIFT: "Tolerated"; PolyPhen-2: "Probably Damaging"; Align-GVGD: "Class C0"). This variant has not been reported in the literature in individuals affected with ISG15-related conditions. This sequence change replaces valine, which is neutral and non-polar, with methionine, which is neutral and non-polar, at codon 86 of the ISG15 protein (p.Val86Met).